The following is an entry in ClinVar:

ClinVar aggregate classification (germline): Uncertain significance. Review status: criteria provided, multiple submitters, no conflicts (2 of 4 stars). 5 submissions from 5 submitters: Uncertain significance (5). Last evaluated 2023-11-07.

Conditions:
Primary familial dilated cardiomyopathy (FDC). Also called: Familial dilated cardiomyopathy; Hypokinetic dilated cardiomyopathy, familial. Identifiers: Orphanet 217607, MedGen C0340427, MONDO:0016333.
Cardiomyopathy (CMYO). Also called: Cardiomyopathies. Identifiers: Orphanet 167848, MedGen C0878544, MONDO:0004994, HP:0001638. Inheritance: Various modes of inheritance.
Dilated cardiomyopathy 1W (CMD1W). Identifiers: Orphanet 154, MedGen C1969639, MONDO:0012667, OMIM 611407.

Allele frequency attached by ClinVar (database versions not stated): ExAC below 0.00001; gnomAD 0.00001 and 0.00002; gnomAD exomes 0.00001; TOPMed 0.00001.
gnomAD v4.1: 8 of 1,534,466 alleles (0.00052%); highest among the groups gnomAD compares: Non-Finnish European, 0.0007%; no homozygotes.

Submissions (5):

Labcorp Genetics (formerly Invitae), Labcorp
Classification: Uncertain significance for Dilated cardiomyopathy 1W. Last evaluated: 2023-11-07. Review status: criteria provided, single submitter. Criteria: Invitae Variant Classification Sherloc (09022015). Collection method: clinical testing. Allele origin: germline.
Comment: This sequence change replaces valine, which is neutral and non-polar, with phenylalanine, which is neutral and non-polar, at codon 55 of the VCL protein (p.Val55Phe). This variant is present in population databases (rs755441334, gnomAD 0.005%). This variant has not been reported in the literature in individuals affected with VCL-related conditions. ClinVar contains an entry for this variant (Variation ID: 229631). An algorithm developed to predict the effect of missense changes on protein structure and function (PolyPhen-2) suggests that this variant is likely to be disruptive. In summary, the available evidence is currently insufficient to determine the role of this variant in disease. Therefore, it has been classified as a Variant of Uncertain Significance.

CHEO Genetics Diagnostic Laboratory, Children's Hospital of Eastern Ontario
Classification: Uncertain significance for Cardiomyopathy. Last evaluated: 2021-11-30. Review status: criteria provided, single submitter. Criteria: ACMG Guidelines, 2015. Collection method: clinical testing. Allele origin: germline.

Blueprint Genetics
Classification: Uncertain significance. Last evaluated: 2021-05-04. Review status: criteria provided, single submitter. Criteria: ACMG Guidelines, 2015. Collection method: clinical testing. Allele origin: germline.

Molecular Diagnostic Laboratory for Inherited Cardiovascular Disease, Montreal Heart Institute
Classification: Uncertain significance for Primary familial dilated cardiomyopathy. Last evaluated: 2017-05-29. Review status: criteria provided, single submitter. Criteria: ACMG Guidelines, 2015. Collection method: clinical testing. Allele origin: germline. Affected: yes.

Laboratory for Molecular Medicine, Mass General Brigham Personalized Medicine
Classification: Uncertain significance. Last evaluated: 2015-10-01. Review status: criteria provided, single submitter. Criteria: LMM Criteria. Collection method: clinical testing. Allele origin: germline. Observed: 1 variant allele.
Comment: The p.Val55Phe variant in VCL has not been previously reported in individuals wi th cardiomyopathy and data from large population studies is insufficient to asse ss the frequency of this variant. Computational prediction tools and conservatio n analysis suggest that this variant may impact the protein, though this informa tion is not predictive enough to determine pathogenicity. In summary, the clinic al significance of the p.Val55Phe variant is uncertain.

NM_014000.3(VCL):c.163G>T (p.Val55Phe)

Gene: VCL (vinculin; plus strand). Cytogenetic location: 10q22.2.
Variant type: single nucleotide variant.
Coding change: c.163G>T on transcript NM_014000.3 (MANE Select); coding-DNA position 163, G replaced by T.
Protein change: p.Val55Phe; replaces valine 55 with phenylalanine.
Molecular consequence: missense variant.
Genome position (GRCh38, 1-based): chr10:73,998,370, G>T. VCF-style: chr10-73998370-G-T. GRCh37 (hg19) VCF-style: chr10-75758128-G-T.
Other names: c.163G>T, p.Val55Phe (NM_003373.4); short protein forms V55F.
Identifiers: ClinVar variation 229631 (VCV000229631.15), dbSNP rs755441334, ClinGen allele CA5562708.